The following is an entry in ClinVar:

ClinVar aggregate classification (germline): Uncertain significance. Review status: criteria provided, multiple submitters, no conflicts (2 of 4 stars). 2 submissions from 2 submitters: Uncertain significance (2). Last evaluated 2025-01-08.

Submissions (2):

GeneDx
Classification: Uncertain significance. Last evaluated: 2025-01-08. Review status: criteria provided, single submitter. Criteria: GeneDx Variant Classification Process June 2021. Collection method: clinical testing. Allele origin: germline. Affected: yes.
Comment: Not observed at significant frequency in large population cohorts (gnomAD); In silico analysis supports that this missense variant has a deleterious effect on protein structure/function; Has not been previously published as pathogenic or benign to our knowledge

Labcorp Genetics (formerly Invitae), Labcorp
Classification: Uncertain significance. Last evaluated: 2024-09-24. Review status: criteria provided, single submitter. Criteria: Invitae Variant Classification Sherloc (09022015). Collection method: clinical testing. Allele origin: germline.
Comment: This sequence change replaces aspartic acid, which is acidic and polar, with tyrosine, which is neutral and polar, at codon 182 of the CAD protein (p.Asp182Tyr). This variant is not present in population databases (gnomAD no frequency). This variant has not been reported in the literature in individuals affected with CAD-related conditions. Invitae Evidence Modeling of protein sequence and biophysical properties (such as structural, functional, and spatial information, amino acid conservation, physicochemical variation, residue mobility, and thermodynamic stability) indicates that this missense variant is expected to disrupt CAD protein function with a positive predictive value of 80%. In summary, the available evidence is currently insufficient to determine the role of this variant in disease. Therefore, it has been classified as a Variant of Uncertain Significance.

NM_004341.5(CAD):c.544G>T (p.Asp182Tyr)

Gene: CAD (carbamoyl-phosphate synthetase 2, aspartate transcarbamylase, and dihydroorotase; plus strand). Cytogenetic location: 2p23.3.
Variant type: single nucleotide variant.
Coding change: c.544G>T on transcript NM_004341.5 (MANE Select); coding-DNA position 544, G replaced by T.
Protein change: p.Asp182Tyr; replaces aspartic acid 182 with tyrosine.
Molecular consequence: missense variant.
Genome position (GRCh38, 1-based): chr2:27,222,567, G>T. VCF-style: chr2-27222567-G-T. GRCh37 (hg19) VCF-style: chr2-27445435-G-T.
Other names: c.544G>T, p.Asp182Tyr (NM_001306079.2); c.544G>T (NM_004341.3); short protein forms D182Y.
Identifiers: ClinVar variation 3686516 (VCV003686516.3).
Genomic context (GRCh38, chr2:27,222,567, plus strand): 5'-TCTATTTCTCAGACTCCACGGGTATTCAATACAGGGGGTGCCCCTCGGATCCTTGCTTTG[G>T]ACTGTGGCCTCAAGTATAATCAGATCCGATGCCTCTGCCAGCGTGGGGCTGAGGTCACTG-3'
Protein context (NP_004332.2, residues 172-192): TGGAPRILAL[Asp182Tyr]CGLKYNQIRC